The following is an entry in ClinVar:

ClinVar aggregate classification (germline): Pathogenic (0 of 4 stars; one submission).

Conditions:
Mucopolysaccharidosis, MPS-III-A (MPS3A). Also called: Mucopolysaccharidosis, type IIIA; MPS III A; Mucopolysaccharidosis type IIIA (Sanfilippo A); SANFILIPPO SYNDROME A; SULFAMIDASE DEFICIENCY; mucopolysaccharidosis type 3A. Identifiers: Orphanet 581, Orphanet 79269, MedGen C0086647, MONDO:0009655, OMIM 252900.

Submission:

GeneReviews
Classification: Pathogenic for Mucolipidosis III Alpha/Beta. Last evaluated: 2012-05-10. Review status: no assertion criteria provided. Collection method: curation. Allele origin: unknown.
ClinVar note: Converted during submission from pathologic to Pathogenic.

NM_024312.5(GNPTAB):c.3435-1G>A

Gene: GNPTAB (N-acetylglucosamine-1-phosphate transferase subunits alpha and beta; minus strand). Cytogenetic location: 12q23.2.
Variant type: single nucleotide variant.
Coding change: c.3435-1G>A on transcript NM_024312.5 (MANE Select); the canonical splice acceptor site of the intron before coding-DNA position 3435, G replaced by A.
Molecular consequence: splice acceptor variant.
Genome position (GRCh38, 1-based): chr12:101,753,540, C>T on the plus strand (G>A on the coding strand, the complement: GNPTAB is on the minus strand). VCF-style: chr12-101753540-C-T. GRCh37 (hg19) VCF-style: chr12-102147318-C-T.
Other names: AY687932:c.3435-1G>A.
Identifiers: ClinVar variation 38427 (VCV000038427.3), dbSNP rs281865037, ClinGen allele CA343079.